The following is an entry in ClinVar:

ClinVar aggregate classification (germline): Uncertain significance. Review status: criteria provided, multiple submitters, no conflicts (2 of 4 stars). 4 submissions from 4 submitters: Uncertain significance (4). Last evaluated 2025-02-25.

Conditions:
Hereditary cancer-predisposing syndrome. Also called: Tumor predisposition; Neoplastic Syndromes, Hereditary; Hereditary Cancer Syndrome; Hereditary neoplastic syndrome. Identifiers: Orphanet 140162, MedGen C0027672, MeSH D009386, MONDO:0015356.
Ataxia-telangiectasia syndrome (AT). Also called: Ataxia-telangiectasia; LOUIS-BAR SYNDROME; Ataxia-telangiectasia, complementation group D; AT, COMPLEMENTATION GROUP C; ATAXIA-TELANGIECTASIA, COMPLEMENTATION GROUP A; ATAXIA-TELANGIECTASIA, FRESNO VARIANT. Identifiers: Orphanet 100, MedGen C0004135, MONDO:0008840, OMIM 208900.

Submissions (4):

Labcorp Genetics (formerly Invitae), Labcorp
Classification: Uncertain significance for Ataxia-telangiectasia syndrome. Last evaluated: 2025-02-25. Review status: criteria provided, single submitter. Criteria: Invitae Variant Classification Sherloc (09022015). Collection method: clinical testing. Allele origin: germline.
Comment: This sequence change replaces leucine, which is neutral and non-polar, with valine, which is neutral and non-polar, at codon 2084 of the ATM protein (p.Leu2084Val). This variant is not present in population databases (gnomAD no frequency). This variant has not been reported in the literature in individuals affected with ATM-related conditions. ClinVar contains an entry for this variant (Variation ID: 1311715). Invitae Evidence Modeling of protein sequence and biophysical properties (such as structural, functional, and spatial information, amino acid conservation, physicochemical variation, residue mobility, and thermodynamic stability) indicates that this missense variant is not expected to disrupt ATM protein function with a negative predictive value of 95%. In summary, the available evidence is currently insufficient to determine the role of this variant in disease. Therefore, it has been classified as a Variant of Uncertain Significance.

Ambry Genetics
Classification: Uncertain significance for Hereditary cancer-predisposing syndrome. Last evaluated: 2024-10-18. Review status: criteria provided, single submitter. Criteria: Ambry Variant Classification Scheme 2023. Collection method: clinical testing. Allele origin: germline.
Comment: The p.L2084V variant (also known as c.6250T>G), located in coding exon 42 of the ATM gene, results from a T to G substitution at nucleotide position 6250. The leucine at codon 2084 is replaced by valine, an amino acid with highly similar properties. This amino acid position is highly conserved in available vertebrate species. In addition, this alteration is predicted to be tolerated by in silico analysis. Based on the available evidence, the clinical significance of this variant remains unclear.

Institute of Human Genetics, University of Goettingen
Classification: Uncertain significance for Ataxia-telangiectasia syndrome. Last evaluated: 2022-02-04. Review status: criteria provided, single submitter. Criteria: ACMG Guidelines, 2015. Collection method: clinical testing. Allele origin: germline. Inheritance: Autosomal recessive inheritance. Observed: 1 heterozygote.

GeneDx
Classification: Uncertain significance. Last evaluated: 2019-12-24. Review status: criteria provided, single submitter. Criteria: GeneDx Variant Classification Process June 2021. Collection method: clinical testing. Allele origin: germline. Affected: yes.
Comment: Not observed in large population cohorts (Lek 2016); In silico analysis, which includes protein predictors and evolutionary conservation, supports that this variant does not alter protein structure/function; Has not been previously published as pathogenic or benign to our knowledge

NM_000051.4(ATM):c.6250T>G (p.Leu2084Val)

Genes: ATM (ATM serine/threonine kinase; plus strand), C11orf65 (chromosome 11 open reading frame 65; minus strand). Cytogenetic location: 11q22.3.
Variant type: single nucleotide variant.
Coding change: c.6250T>G on transcript NM_000051.4 (MANE Select); coding-DNA position 6250, T replaced by G.
Protein change: p.Leu2084Val; replaces leucine 2084 with valine.
Molecular consequence: missense variant. On other transcripts: intron variant (2).
Genome position (GRCh38, 1-based): chr11:108,317,424, T>G. VCF-style: chr11-108317424-T-G. GRCh37 (hg19) VCF-style: chr11-108188151-T-G.
Other names: c.6250T>G, p.Leu2084Val (NM_001351834.2); c.641-8353A>C (NM_001330368.2); c.*39-8353A>C (NM_001351110.2); short protein forms L2084V.
Identifiers: ClinVar variation 1311715 (VCV001311715.13), dbSNP rs772608345, ClinGen allele CA382551822.